The following is an entry in ClinVar:

ClinVar aggregate classification (germline): Likely benign. Review status: criteria provided, multiple submitters, no conflicts (2 of 4 stars). 3 submissions from 3 submitters: Likely benign (3). Last evaluated 2026-08-17.

Conditions:
Neonatal diabetes mellitus with congenital hypothyroidism. Also called: NDH SYNDROME. Identifiers: Orphanet 79118, MedGen C1857775, MONDO:0012436, OMIM 610199.
GLIS3-related disorder. Also called: GLIS3-related condition.

Allele frequency attached by ClinVar (database versions not stated): gnomAD 0.00024 and 0.00026; gnomAD exomes 0.00002 and 0.00005; ExAC 0.00007; 1000 Genomes Project 30x 0.00016; TOPMed 0.00019; 1000 Genomes Project 0.00020.
gnomAD v4.1: 76 of 1,614,200 alleles (0.0047%); highest among the groups gnomAD compares: African/African-American, 0.088%; no homozygotes.

Submissions (3):

PreventionGenetics, part of Exact Sciences
Classification: Likely benign for GLIS3-related condition. Last evaluated: 2026-08-17. Review status: criteria provided, single submitter. Criteria: ACMG Guidelines, 2015. Collection method: clinical testing. Allele origin: germline.
Comment: This variant is classified as likely benign based on ACMG/AMP sequence variant interpretation guidelines (Richards et al. 2015 PMID: 25741868, with internal and published modifications).

Labcorp Genetics (formerly Invitae), Labcorp
Classification: Likely benign. Last evaluated: 2025-12-13. Review status: criteria provided, single submitter. Criteria: Invitae Variant Classification Sherloc (09022015). Collection method: clinical testing. Allele origin: germline.

Fulgent Genetics
Classification: Likely benign for Neonatal diabetes mellitus with congenital hypothyroidism. Last evaluated: 2021-12-07. Review status: criteria provided, single submitter. Criteria: ACMG Guidelines, 2015. Collection method: clinical testing. Allele origin: unknown.

NM_001042413.2(GLIS3):c.2421C>G (p.Ser807=)

Gene: GLIS3 (GLIS family zinc finger 3; minus strand). Cytogenetic location: 9p24.2.
Variant type: single nucleotide variant.
Coding change: c.2421C>G on transcript NM_001042413.2 (MANE Select); coding-DNA position 2421, C replaced by G.
Protein change: p.Ser807=; no amino-acid change (serine 807 retained).
Molecular consequence: synonymous variant.
Genome position (GRCh38, 1-based): chr9:3,856,061, G>C on the plus strand (C>G on the coding strand, the complement: GLIS3 is on the minus strand). VCF-style: chr9-3856061-G-C. GRCh37 (hg19) VCF-style: chr9-3856061-G-C.
Other names: c.1956C>G, p.Ser652= (NM_152629.4); c.2421C>G (NM_001042413.1).
Identifiers: ClinVar variation 747699 (VCV000747699.8), dbSNP rs563920093, ClinGen allele CA4967808.